The following is an entry in ClinVar:

ClinVar aggregate classification (germline): Uncertain significance (1 of 4 stars; one submission).

Conditions:
Progressive myoclonic epilepsy type 7. Identifiers: Orphanet 435438, MedGen C4015420, MONDO:0014521, OMIM 616187.

Submission:

Labcorp Genetics (formerly Invitae), Labcorp
Classification: Uncertain significance for Progressive myoclonic epilepsy type 7. Last evaluated: 2023-01-10. Review status: criteria provided, single submitter. Criteria: Invitae Variant Classification Sherloc (09022015). Collection method: clinical testing. Allele origin: germline.
Comment: This sequence change replaces glycine, which is neutral and non-polar, with aspartic acid, which is acidic and polar, at codon 143 of the KCNC1 protein (p.Gly143Asp). This variant is not present in population databases (gnomAD no frequency). This variant has not been reported in the literature in individuals affected with KCNC1-related conditions. ClinVar contains an entry for this variant (Variation ID: 1014282). Advanced modeling of protein sequence and biophysical properties (such as structural, functional, and spatial information, amino acid conservation, physicochemical variation, residue mobility, and thermodynamic stability) performed at Invitae indicates that this missense variant is not expected to disrupt KCNC1 protein function. In summary, the available evidence is currently insufficient to determine the role of this variant in disease. Therefore, it has been classified as a Variant of Uncertain Significance.

NM_001112741.2(KCNC1):c.428G>A (p.Gly143Asp)

Gene: KCNC1 (potassium voltage-gated channel subfamily C member 1; plus strand). Cytogenetic location: 11p15.1.
Variant type: single nucleotide variant.
Coding change: c.428G>A on transcript NM_001112741.2 (MANE Select); coding-DNA position 428, G replaced by A.
Protein change: p.Gly143Asp; replaces glycine 143 with aspartic acid.
Molecular consequence: missense variant.
Genome position (GRCh38, 1-based): chr11:17,736,430, G>A. VCF-style: chr11-17736430-G-A. GRCh37 (hg19) VCF-style: chr11-17757977-G-A.
Other names: c.428G>A, p.Gly143Asp (NM_004976.4); short protein forms G143D.
Identifiers: ClinVar variation 1014282 (VCV001014282.7), dbSNP rs1848766892, ClinGen allele CA379801347.